The following is an entry in ClinVar:

NM_170707.4(LMNA):c.356G>C (p.Arg119Pro)

Gene: LMNA (lamin A/C; plus strand). Cytogenetic location: 1q22.
Variant type: single nucleotide variant.
Coding change: c.356G>C on transcript NM_170707.4 (MANE Select); coding-DNA position 356, G replaced by C.
Protein change: p.Arg119Pro; replaces arginine 119 with proline.
Molecular consequence: missense variant. On other transcripts: 5 prime UTR variant (8), intron variant (2).
Genome position (GRCh38, 1-based): chr1:156,115,274, G>C. VCF-style: chr1-156115274-G-C. GRCh37 (hg19) VCF-style: chr1-156085065-G-C.
Other names: p.R119P:CGC>CCC; c.356G>C, p.Arg119Pro (NM_001406983.1, NM_001406984.1, NM_001406985.1 and 6 more transcripts); c.-68G>C (NM_001406986.1); c.-46G>C (NM_001406990.1, NM_001406995.1, NM_001407002.1); c.-309G>C (NM_001406994.1, NM_001407000.1); c.-489G>C (NM_001406999.1); c.-152G>C (NM_001407001.1); c.-203+8451G>C (NM_001406993.1, NM_001407003.1); short protein forms R119P.
Identifiers: ClinVar variation 48064 (VCV000048064.17), dbSNP rs397517902, ClinGen allele CA017961.

ClinVar aggregate classification (germline): Conflicting classifications of pathogenicity. Review status: criteria provided, conflicting classifications (1 of 4 stars). 7 submissions from 7 submitters: Likely pathogenic (3); Uncertain significance (4). Last evaluated 2026-06-08.

Conditions:
Charcot-Marie-Tooth disease type 2. Also called: Charcot-Marie-Tooth type 2. Identifiers: Orphanet 64746, MedGen C0270914, MONDO:0018993.
Cardiovascular phenotype. Identifiers: MedGen CN230736.
Cardiomyopathy (CMYO). Also called: Cardiomyopathies. Identifiers: Orphanet 167848, MedGen C0878544, MONDO:0004994, HP:0001638. Inheritance: Various modes of inheritance.

Submissions (7):

Ambry Genetics
Classification: Likely pathogenic for Cardiovascular phenotype. Last evaluated: 2026-06-08. Review status: criteria provided, single submitter. Criteria: Ambry Variant Classification Scheme 2023. Collection method: clinical testing. Allele origin: germline.
Comment: The c.356G>C (p.R119P) alteration is located in exon 1 (coding exon 1) of the LMNA gene. This alteration results from a G to C substitution at nucleotide position 356, causing the arginine (R) at amino acid position 119 to be replaced by a proline (P). for LMNA-related laminopathy; however, its clinical significance for Hutchinson-Gilford progeria syndrome is uncertain. This variant was not reported in population-based cohorts in the Genome Aggregation Database (gnomAD). This variant was reported in individual(s) with features consistent with LMNA-related laminopathy and segregated with disease in at least one family (Pugh, 2014; Tracy, 2020; external communication). Other variant(s) at the same codon, c.356G>A p.R119H, as well as other variant(s) impacting the same donor site, c.356+1G>A, c.356+1G>C, c.356+1G>T, and c.356+2T>G have been identified in individual(s) with features consistent with LMNA-related laminopathy (Narula, 2012; Walsh, 2017; Augusto, 2020; T&ouml;pf, 2020; Nafissi, 2022; Sedaghat-Hamedani, 2022). This nucleotide position is highly conserved in available vertebrate species. This amino acid position is also highly conserved in available vertebrate species. Based on internal structural analysis, this variant is anticipated to result in a significant decrease in structural stability (Ambry internal data). One minigene splicing study suggests that this alteration may impact splicing, but technical limitations of the assay confound the interpretation (Ito, 2017). RNA studies have demonstrated that this variant does not result in abnormal splicing in the set of samples tested (Ambry internal data). This alteration is predicted to be deleterious by in silico analysis. In silico splice site analysis predicts that this alteration may result in the creation or strengthening of a novel splice donor site. Based on the available evidence, this alteration is classified as likely pathogenic.

GeneDx
Classification: Likely pathogenic. Last evaluated: 2025-08-18. Review status: criteria provided, single submitter. Criteria: GeneDx Variant Classification Process June 2021. Collection method: clinical testing. Allele origin: germline. Affected: yes.
Comment: Reported in association with dilated cardiomyopathy; however, additional clinical information was not provided (PMID: 27532257, 24503780); Not observed at significant frequency in large population cohorts (gnomAD); In silico analysis supports that this missense variant has a deleterious effect on protein structure/function; In silico analysis suggests this variant may impact gene splicing. In the absence of RNA/functional studies, the actual effect of this sequence change is unknown.; This variant is associated with the following publications: (PMID: 27532257, 28679633, 34461741, 37652022, 38979608, 36548481, 24503780, 10939567)

Color Diagnostics, LLC DBA Color Health
Classification: Uncertain significance for Cardiomyopathy. Last evaluated: 2025-07-02. Review status: criteria provided, single submitter. Criteria: ACMG Guidelines, 2015. Collection method: clinical testing. Allele origin: germline.
Comment: This missense variant replaces arginine with proline at codon 119 of the LMNA protein. Computational prediction suggests that this variant may have a deleterious impact on protein structure and function. Splice site prediction tools are inconclusive regarding the impact of this variant on RNA splicing. A functional mini-gene assay has shown inconclusive results for splicing outcome for this variant (PMID: 28679633). This variant has been reported in at least one individual affected with dilated cardiomyopathy (PMID: 24503780, 27532257, 36548481, 38979608, 39145700). This variant has not been identified in the general population by the Genome Aggregation Database (gnomAD). The available evidence is insufficient to determine the role of this variant in disease conclusively. Therefore, this variant is classified as a Variant of Uncertain Significance.

Labcorp Genetics (formerly Invitae), Labcorp
Classification: Uncertain significance for Charcot-Marie-Tooth disease type 2. Last evaluated: 2024-01-21. Review status: criteria provided, single submitter. Criteria: Invitae Variant Classification Sherloc (09022015). Collection method: clinical testing. Allele origin: germline.
Comment: This sequence change replaces arginine, which is basic and polar, with proline, which is neutral and non-polar, at codon 119 of the LMNA protein (p.Arg119Pro). This variant also falls at the last nucleotide of exon 1, which is part of the consensus splice site for this exon. This variant is not present in population databases (gnomAD no frequency). This missense change has been observed in individual(s) with arrhythmogenic cardiomyopathy and/or dilated cardiomyopathy (PMID: 24503780, 27532257, 36548481). ClinVar contains an entry for this variant (Variation ID: 48064). An algorithm developed to predict the effect of missense changes on protein structure and function (PolyPhen-2) suggests that this variant is likely to be disruptive. Variants that disrupt the consensus splice site are a relatively common cause of aberrant splicing (PMID: 17576681, 9536098). Studies have shown that this missense change is associated with inconclusive levels of altered splicing (PMID: 28679633). In summary, the available evidence is currently insufficient to determine the role of this variant in disease. Therefore, it has been classified as a Variant of Uncertain Significance.

Stanford Center for Inherited Cardiovascular Disease, Stanford University
Classification: Likely pathogenic. Last evaluated: 2017-12-15. Review status: criteria provided, single submitter. Criteria: ACMG Guidelines, 2015. Collection method: provider interpretation. Allele origin: germline.

Athena Diagnostics
Classification: Uncertain significance. Last evaluated: 2016-09-06. Review status: criteria provided, single submitter. Criteria: Athena Diagnostics Criteria. Collection method: clinical testing. Allele origin: germline.

Laboratory for Molecular Medicine, Mass General Brigham Personalized Medicine
Classification: Uncertain significance. Last evaluated: 2014-08-20. Review status: criteria provided, single submitter. Criteria: LMM Criteria. Collection method: clinical testing. Allele origin: germline. Observed: 1 variant allele.
Comment: proposed classification - variant undergoing re-assessment, contact laboratory

Literature cited by the submitters: PubMed 23062543 (cited by Ambry Genetics); PubMed 24503780 (cited by 4 submitters); PubMed 27532257 (cited by 3 submitters); PubMed 28679633 (cited by 3 submitters); PubMed 31317183 (cited by Ambry Genetics); PubMed 32528171 (cited by Ambry Genetics); PubMed 36136372 (cited by Ambry Genetics); PubMed 36293084 (cited by Ambry Genetics); PubMed 36548481 (cited by Color Diagnostics, LLC DBA Color Health and Labcorp Genetics (formerly Invitae), Labcorp); PubMed 38979608 (cited by Color Diagnostics, LLC DBA Color Health); PubMed 39145700 (cited by Color Diagnostics, LLC DBA Color Health); PubMed 17576681 (cited by Labcorp Genetics (formerly Invitae), Labcorp); PubMed 9536098 (cited by Labcorp Genetics (formerly Invitae), Labcorp).